The following is an entry in ClinVar:

NM_001041.4(SI):c.4009G>A (p.Asp1337Asn)

Gene: SI (sucrase-isomaltase; minus strand). Cytogenetic location: 3q26.1.
Variant type: single nucleotide variant.
Coding change: c.4009G>A on transcript NM_001041.4 (MANE Select); coding-DNA position 4009, G replaced by A.
Protein change: p.Asp1337Asn; replaces aspartic acid 1337 with asparagine.
Molecular consequence: missense variant.
Genome position (GRCh38, 1-based): chr3:165,013,033, C>T on the plus strand (G>A on the coding strand, the complement: SI is on the minus strand). VCF-style: chr3-165013033-C-T. GRCh37 (hg19) VCF-style: chr3-164730821-C-T.
Other names: short protein forms D1337N.
Identifiers: ClinVar variation 1506816 (VCV001506816.6), dbSNP rs1218565442, ClinGen allele CA355035530.

ClinVar aggregate classification (germline): Uncertain significance (1 of 4 stars; one submission).

Allele frequency attached by ClinVar (database versions not stated): TOPMed below 0.00001; gnomAD 0.00001; gnomAD exomes below 0.00001.
gnomAD v4.1: 4 of 1,605,338 alleles (0.00025%); highest among the groups gnomAD compares: East Asian, 0.0089%; no homozygotes.

Submission:

Labcorp Genetics (formerly Invitae), Labcorp
Classification: Uncertain significance. Last evaluated: 2023-11-28. Review status: criteria provided, single submitter. Criteria: Invitae Variant Classification Sherloc (09022015). Collection method: clinical testing. Allele origin: germline.
Comment: This sequence change replaces aspartic acid, which is acidic and polar, with asparagine, which is neutral and polar, at codon 1337 of the SI protein (p.Asp1337Asn). This variant is present in population databases (no rsID available, gnomAD 0.006%). This variant has not been reported in the literature in individuals affected with SI-related conditions. ClinVar contains an entry for this variant (Variation ID: 1506816). Advanced modeling of protein sequence and biophysical properties (such as structural, functional, and spatial information, amino acid conservation, physicochemical variation, residue mobility, and thermodynamic stability) has been performed at Invitae for this missense variant, however the output from this modeling did not meet the statistical confidence thresholds required to predict the impact of this variant on SI protein function. In summary, the available evidence is currently insufficient to determine the role of this variant in disease. Therefore, it has been classified as a Variant of Uncertain Significance.